The following is an entry in ClinVar:

NM_001382273.1(TNK2):c.793C>G (p.Leu265Val)

Gene: TNK2 (tyrosine kinase non receptor 2; minus strand). Cytogenetic location: 3q29.
Variant type: single nucleotide variant.
Coding change: c.793C>G on transcript NM_001382273.1 (MANE Select); coding-DNA position 793, C replaced by G.
Protein change: p.Leu265Val; replaces leucine 265 with valine.
Molecular consequence: missense variant. On other transcripts: non-coding transcript variant (10).
Genome position (GRCh38, 1-based): chr3:195,882,145, G>C on the plus strand (C>G on the coding strand, the complement: TNK2 is on the minus strand). VCF-style: chr3-195882145-G-C. GRCh37 (hg19) VCF-style: chr3-195609016-G-C.
Other names: c.865C>G, p.Leu289Val (NM_001010938.2, NM_001382272.1, NM_001387708.1 and 1 more transcripts); c.889C>G, p.Leu297Val (NM_001308046.2, NM_001382271.1, NM_001382275.1 and 1 more transcripts); c.793C>G, p.Leu265Val (NM_001382274.1, NM_001386164.1, NM_001387709.1 and 12 more transcripts); short protein forms L265V, L289V, L297V.
Identifiers: ClinVar variation 4732244 (VCV004732244.1).
Genomic context (GRCh38, chr3:195,882,145, plus strand): 5'-CGTAATGGTCGTCATTCTGAGGTAGTGCTCGCATCAGCCCAAAGTCCCCGATCTTGACCA[G>C]GTCGCGGGTAGCCAACAGCAGATTGCGGGCAGCCAGGTCACGGTGAATAAAGCGCTTGGA-3'
Protein context (NP_001369202.1, residues 255-275): ARNLLLATRD[Leu265Val]VKIGDFGLMR

ClinVar aggregate classification (germline): Uncertain significance (1 of 4 stars; one submission).

Submission:

Labcorp Genetics (formerly Invitae), Labcorp
Classification: Uncertain significance. Last evaluated: 2025-12-01. Review status: criteria provided, single submitter. Criteria: Invitae Variant Classification Sherloc (09022015). Collection method: clinical testing. Allele origin: germline.
Comment: This sequence change replaces leucine, which is neutral and non-polar, with valine, which is neutral and non-polar, at codon 328 of the TNK2 protein (p.Leu328Val). This variant is not present in population databases (gnomAD no frequency). This variant has not been reported in the literature in individuals affected with TNK2-related conditions. An algorithm developed to predict the effect of missense changes on protein structure and function (PolyPhen-2) suggests that this variant is likely to be tolerated. In summary, the available evidence is currently insufficient to determine the role of this variant in disease. Therefore, it has been classified as a Variant of Uncertain Significance.